The following is an entry in ClinVar:

NM_024426.6(WT1):c.610G>A (p.Ala204Thr)

Genes: WT1 (WT1 transcription factor; minus strand), LOC107982234 (WT1/WT1-AS bi-directional promoter region; plus strand). Cytogenetic location: 11p13.
Variant type: single nucleotide variant.
Coding change: c.610G>A on transcript NM_024426.6 (MANE Select); coding-DNA position 610, G replaced by A.
Protein change: p.Ala204Thr; replaces alanine 204 with threonine.
Molecular consequence: missense variant. On other transcripts: non-coding transcript variant (2).
Genome position (GRCh38, 1-based): chr11:32,434,751, C>T on the plus strand (G>A on the coding strand, the complement: WT1 is on the minus strand). VCF-style: chr11-32434751-C-T. GRCh37 (hg19) VCF-style: chr11-32456297-C-T.
Other names: c.610G>A, p.Ala204Thr (NM_000378.6, NM_001407044.1, NM_001407045.1 and 6 more transcripts); c.391G>A, p.Ala131Thr (NM_001429031.1, NM_001429032.1, NM_001429033.1 and 1 more transcripts); short protein forms A204T, A199T, A131T.
Identifiers: ClinVar variation 3982426 (VCV003982426.1).

ClinVar aggregate classification (germline): Uncertain significance (1 of 4 stars; one submission).

Conditions:
Inborn genetic diseases. Identifiers: MedGen C0950123, MeSH D030342.

gnomAD v4.1: 2 of 1,612,920 alleles (0.00012%); highest among the groups gnomAD compares: East Asian, 0.0045%; no homozygotes.

Submission:

Ambry Genetics
Classification: Uncertain significance for Inborn genetic diseases. Last evaluated: 2025-04-01. Review status: criteria provided, single submitter. Criteria: Ambry Variant Classification Scheme 2023. Collection method: clinical testing. Allele origin: germline.
Comment: The p.A199T variant (also known as c.595G>A), located in coding exon 1 of the WT1 gene, results from a G to A substitution at nucleotide position 595. The alanine at codon 199 is replaced by threonine, an amino acid with similar properties. This amino acid position is not well conserved in available vertebrate species. In addition, the in silico prediction for this alteration is inconclusive. Based on the available evidence, the clinical significance of this variant remains unclear.